The following is an entry in ClinVar:

NM_000554.6(CRX):c.*1122G>C

Gene: CRX (cone-rod homeobox; plus strand). Cytogenetic location: 19q13.33.
Variant type: single nucleotide variant.
Coding change: c.*1122G>C on transcript NM_000554.6 (MANE Select); 1122 bases downstream of the stop codon, G replaced by C.
Molecular consequence: 3 prime UTR variant.
Genome position (GRCh38, 1-based): chr19:47,841,089, G>C. VCF-style: chr19-47841089-G-C. GRCh37 (hg19) VCF-style: chr19-48344346-G-C.
Identifiers: ClinVar variation 329735 (VCV000329735.6), dbSNP rs73576710, ClinGen allele CA10652164.

ClinVar aggregate classification (germline): Benign. Review status: criteria provided, multiple submitters, no conflicts (2 of 4 stars). 4 submissions from 2 submitters: Benign (4). Last evaluated 2018-01-13.

Conditions:
Retinitis pigmentosa (RP). Identifiers: Orphanet 791, MedGen C0035334, MeSH D012174, MONDO:0019200, OMIM 268000. Inheritance: Autosomal dominant, autosomal recessive and X linked inheritance.
Leber congenital amaurosis 7 (LCA7). Identifiers: Orphanet 65, MedGen C3151192, MONDO:0013449, OMIM 613829.
Cone-rod dystrophy 2 (CORD2). Also called: CONE-ROD RETINAL DYSTROPHY; Cone-rod retinal dystrophy 2. Identifiers: Orphanet 1872, MedGen C3489532, MONDO:0007362, OMIM 120970.

Allele frequency attached by ClinVar (database versions not stated): 1000 Genomes Project 30x 0.12836; 1000 Genomes Project 0.12899; TOPMed 0.17559; gnomAD 0.17614 and 0.17992; gnomAD exomes 0.25000.
gnomAD v4.1: 26,875 of 152,050 alleles (18%); highest among the groups gnomAD compares: Middle Eastern, 24%; 2,591 homozygotes.

Submissions (4):

Illumina Laboratory Services, Illumina
Classification: Benign for Leber congenital amaurosis 7. Last evaluated: 2018-01-13. Review status: criteria provided, single submitter. Criteria: ICSL Variant Classification Criteria 13 December 2019. Collection method: clinical testing. Allele origin: germline.
Comment: This variant was observed in the ICSL laboratory as part of a predisposition screen in an ostensibly healthy population. It had not been previously curated by ICSL or reported in the Human Gene Mutation Database (HGMD: prior to June 1st, 2018), and was therefore a candidate for classification through an automated scoring system. Utilizing variant allele frequency, disease prevalence and penetrance estimates, and inheritance mode, an automated score was calculated to assess if this variant is too frequent to cause the disease. Based on the score and internal cut-off values, a variant classified as benign is not then subjected to further curation. The score for this variant resulted in a classification of benign for this disease.

Illumina Laboratory Services, Illumina
Classification: Benign for Retinitis pigmentosa. Last evaluated: 2018-01-13. Review status: criteria provided, single submitter. Criteria: ICSL Variant Classification Criteria 13 December 2019. Collection method: clinical testing. Allele origin: germline.
Comment: the same text as in the submission from Illumina Laboratory Services, Illumina above.

Illumina Laboratory Services, Illumina
Classification: Benign for Cone-rod dystrophy 2. Last evaluated: 2018-01-13. Review status: criteria provided, single submitter. Criteria: ICSL Variant Classification Criteria 13 December 2019. Collection method: clinical testing. Allele origin: germline.
Comment: the same text as in the submission from Illumina Laboratory Services, Illumina above.

Breakthrough Genomics
Classification: Benign. Review status: criteria provided, single submitter. Criteria: ACMG Guidelines, 2015. Collection method: not provided. Allele origin: germline. Inheritance: Autosomal dominant inheritance. Affected: yes.